The following is an entry in ClinVar:

NM_000316.3(PTH1R):c.1325A>G (p.His442Arg)

Gene: PTH1R (parathyroid hormone 1 receptor; plus strand). Cytogenetic location: 3p21.31.
Variant type: single nucleotide variant.
Coding change: c.1325A>G on transcript NM_000316.3 (MANE Select); coding-DNA position 1325, A replaced by G.
Protein change: p.His442Arg; replaces histidine 442 with arginine.
Molecular consequence: missense variant.
Genome position (GRCh38, 1-based): chr3:46,902,639, A>G. VCF-style: chr3-46902639-A-G. GRCh37 (hg19) VCF-style: chr3-46944129-A-G.
Other names: c.1325A>G, p.His442Arg (NM_001184744.1); short protein forms H442R.
Identifiers: ClinVar variation 5037661 (VCV005037661.1).

ClinVar aggregate classification (germline): Uncertain significance (1 of 4 stars; one submission).

Submission:

GeneDx
Classification: Uncertain significance. Last evaluated: 2026-04-26. Review status: criteria provided, single submitter. Criteria: GeneDx Variant Classification Process June 2021. Collection method: clinical testing. Allele origin: germline.
Comment: Not observed at significant frequency in large population cohorts (gnomAD); In silico analysis supports that this missense variant has a deleterious effect on protein structure/function; Has not been previously published as pathogenic or benign to our knowledge